The following is an entry in ClinVar:

NM_015662.3(IFT172):c.44G>T (p.Gly15Val)

Gene: IFT172 (intraflagellar transport 172; minus strand). Cytogenetic location: 2p23.3.
Variant type: single nucleotide variant.
Coding change: c.44G>T on transcript NM_015662.3 (MANE Select); coding-DNA position 44, G replaced by T.
Protein change: p.Gly15Val; replaces glycine 15 with valine.
Molecular consequence: missense variant.
Genome position (GRCh38, 1-based): chr2:27,485,499, C>A on the plus strand (G>T on the coding strand, the complement: IFT172 is on the minus strand). VCF-style: chr2-27485499-C-A. GRCh37 (hg19) VCF-style: chr2-27708366-C-A.
Other names: c.44G>T (NM_015662.2); short protein forms G15V.
Identifiers: ClinVar variation 1486389 (VCV001486389.5), dbSNP rs1572838053, ClinGen allele CA346404090.

ClinVar aggregate classification (germline): Uncertain significance. Review status: criteria provided, multiple submitters, no conflicts (2 of 4 stars). 3 submissions from 3 submitters: Uncertain significance (2). 1 of the submissions does not count toward it. Last evaluated 2022-01-05.

Conditions:
Bardet-Biedl syndrome 20. Identifiers: MedGen C4310707, MONDO:0023670, OMIM 619471, MONDO:0014926.
Retinitis pigmentosa 71 (RP71). Identifiers: Orphanet 791, MedGen C4225342, MONDO:0014618, OMIM 616394.
Short-rib thoracic dysplasia 10 with or without polydactyly (SRTD10). Identifiers: Orphanet 474, MedGen C3810175, MONDO:0014284, OMIM 615630.
IFT172-related disorder. Also called: IFT172-related disorders; IFT172-related condition.

Allele frequency attached by ClinVar (database versions not stated): TOPMed below 0.00001.

Submissions (3):

Fulgent Genetics
Classification: Uncertain significance for Short-rib thoracic dysplasia 10 with or without polydactyly; Retinitis pigmentosa 71; Bardet-Biedl syndrome 20. Last evaluated: 2022-01-05. Review status: criteria provided, single submitter. Criteria: ACMG Guidelines, 2015. Collection method: clinical testing. Allele origin: unknown.

Labcorp Genetics (formerly Invitae), Labcorp
Classification: Uncertain significance for Retinitis pigmentosa 71; Short-rib thoracic dysplasia 10 with or without polydactyly. Last evaluated: 2021-09-07. Review status: criteria provided, single submitter. Criteria: Invitae Variant Classification Sherloc (09022015). Collection method: clinical testing. Allele origin: germline.

PreventionGenetics, part of Exact Sciences
Classification: Uncertain significance for IFT172-related condition. Last evaluated: 2023-10-28. Review status: no assertion criteria provided. Collection method: clinical testing. Allele origin: germline. Not counted in ClinVar's aggregate classification.
Comment: The IFT172 c.44G>T variant is predicted to result in the amino acid substitution p.Gly15Val. To our knowledge, this variant has not been reported in the literature or in a large population database, indicating this variant is rare. At this time, the clinical significance of this variant is uncertain due to the absence of conclusive functional and genetic evidence.